The following is an entry in ClinVar:

NM_032119.4(ADGRV1):c.16010G>A (p.Gly5337Glu)

Gene: ADGRV1 (adhesion G protein-coupled receptor V1; plus strand). Cytogenetic location: 5q14.3.
Variant type: single nucleotide variant.
Coding change: c.16010G>A on transcript NM_032119.4 (MANE Select); coding-DNA position 16010, G replaced by A.
Protein change: p.Gly5337Glu; replaces glycine 5337 with glutamic acid.
Molecular consequence: missense variant. On other transcripts: non-coding transcript variant (1).
Genome position (GRCh38, 1-based): chr5:90,811,270, G>A. VCF-style: chr5-90811270-G-A. GRCh37 (hg19) VCF-style: chr5-90107087-G-A.
Other names: short protein forms G5337E.
Identifiers: ClinVar variation 1120126 (VCV001120126.10), dbSNP rs1475775451, ClinGen allele CA360411506.
Genomic context (GRCh38, chr5:90,811,270, plus strand): 5'-TGGATGATGATGAGCCTGAGGGGCAGGAATTCTTCTACGTGTTTCTCACAAACCCTCAAG[G>A]GGGAGCACAGATTGTGGAGGAGAAGGATGATACTGGATTTGCAGCTTTTGCCATGGTTAT-3'
Protein context (NP_115495.3, residues 5327-5347): FFYVFLTNPQ[Gly5337Glu]GAQIVEEKDD

ClinVar aggregate classification (germline): Uncertain significance. Review status: criteria provided, multiple submitters, no conflicts (2 of 4 stars). 2 submissions from 2 submitters: Uncertain significance (2). Last evaluated 2024-04-17.

Allele frequency attached by ClinVar (database versions not stated): TOPMed below 0.00001.

Submissions (2):

Labcorp Genetics (formerly Invitae), Labcorp
Classification: Uncertain significance. Last evaluated: 2024-04-17. Review status: criteria provided, single submitter. Criteria: Invitae Variant Classification Sherloc (09022015). Collection method: clinical testing. Allele origin: germline.
Comment: This sequence change replaces glycine, which is neutral and non-polar, with glutamic acid, which is acidic and polar, at codon 5337 of the ADGRV1 protein (p.Gly5337Glu). This variant is not present in population databases (gnomAD no frequency). This variant has not been reported in the literature in individuals affected with ADGRV1-related conditions. ClinVar contains an entry for this variant (Variation ID: 1120126). Advanced modeling of protein sequence and biophysical properties (such as structural, functional, and spatial information, amino acid conservation, physicochemical variation, residue mobility, and thermodynamic stability) has been performed at Invitae for this missense variant, however the output from this modeling did not meet the statistical confidence thresholds required to predict the impact of this variant on ADGRV1 protein function. In summary, the available evidence is currently insufficient to determine the role of this variant in disease. Therefore, it has been classified as a Variant of Uncertain Significance.

Laboratory for Molecular Medicine, Mass General Brigham Personalized Medicine
Classification: Uncertain significance. Last evaluated: 2020-08-17. Review status: criteria provided, single submitter. Criteria: LMM Criteria. Collection method: clinical testing. Allele origin: germline. Observed: 1 variant allele.
Comment: The p.Gly5337Glu variant in ADGRV1 has not been previously reported in individuals with hearing loss and was absent from large population studies. Computational prediction tools and conservation analyses do not provide strong support for or against an impact to the protein. In summary, the clinical significance of this variant is uncertain. ACMG/AMP Criteria applied: PM2